The following is an entry in ClinVar:

ClinVar aggregate classification (germline): Likely pathogenic (1 of 4 stars; one submission).

Conditions:
Severe combined immunodeficiency disease. Also called: Severe combined immunodeficiency; Severe Combined Immune Deficiency. Identifiers: Orphanet 183660, MedGen C0085110, MeSH D016511, MONDO:0015974, HP:0004430. Inheritance: X-Linked or Autosomal recessive.

Submission:

Women's Health and Genetics/Laboratory Corporation of America, LabCorp
Classification: Likely pathogenic for Severe combined immunodeficiency disease. Last evaluated: 2021-09-21. Review status: criteria provided, single submitter. Criteria: LabCorp Variant Classification Summary - May 2015. Collection method: clinical testing. Allele origin: germline.
Comment: Variant summary: AK2 c.600C>G (p.Tyr200X) results in a premature termination codon, predicted to cause a truncation of the encoded protein or absence of the protein due to nonsense mediated decay, which are commonly known mechanisms for disease. The variant was absent in 251450 control chromosomes (gnomAD). To our knowledge, no occurrence of c.600C>G in individuals affected with Severe Combined Immunodeficiency Syndrome and no experimental evidence demonstrating its impact on protein function have been reported. No clinical diagnostic laboratories have submitted clinical-significance assessments for this variant to ClinVar after 2014. Based on the evidence outlined above, the variant was classified as likely pathogenic.

NM_001625.4(AK2):c.600C>G (p.Tyr200Ter)

Gene: AK2 (adenylate kinase 2; minus strand). Cytogenetic location: 1p35.1.
Variant type: single nucleotide variant.
Coding change: c.600C>G on transcript NM_001625.4 (MANE Select); coding-DNA position 600, C replaced by G.
Protein change: p.Tyr200Ter; replaces tyrosine 200 with a stop codon.
Molecular consequence: nonsense. On other transcripts: 3 prime UTR variant (1), non-coding transcript variant (1).
Genome position (GRCh38, 1-based): chr1:33,013,301, G>C on the plus strand (C>G on the coding strand, the complement: AK2 is on the minus strand). VCF-style: chr1-33013301-G-C. GRCh37 (hg19) VCF-style: chr1-33478902-G-C.
Other names: c.576C>G, p.Tyr192Ter (NM_001199199.3); c.456C>G, p.Tyr152Ter (NM_001319139.3, NM_001319140.2); c.600C>G, p.Tyr200Ter (NM_001319141.3, NM_013411.5); c.474C>G, p.Tyr158Ter (NM_001319142.3); c.*103C>G (NM_001319143.2); short protein forms Y152*, Y158*, Y192*, Y200*.
Identifiers: ClinVar variation 1301340 (VCV001301340.1), dbSNP rs1638959411, ClinGen allele CA339699311.